The following is an entry in ClinVar:

NM_024408.4(NOTCH2):c.1132G>A (p.Ala378Thr)

Gene: NOTCH2 (notch receptor 2; minus strand). Cytogenetic location: 1p12.
Variant type: single nucleotide variant.
Coding change: c.1132G>A on transcript NM_024408.4 (MANE Select); coding-DNA position 1132, G replaced by A.
Protein change: p.Ala378Thr; replaces alanine 378 with threonine.
Molecular consequence: missense variant.
Genome position (GRCh38, 1-based): chr1:119,968,209, C>T on the plus strand (G>A on the coding strand, the complement: NOTCH2 is on the minus strand). VCF-style: chr1-119968209-C-T. GRCh37 (hg19) VCF-style: chr1-120510832-C-T.
Other names: c.1132G>A, p.Ala378Thr (NM_001200001.2); short protein forms A378T.
Identifiers: ClinVar variation 1708768 (VCV001708768.3), dbSNP rs1370519910, ClinGen allele CA341881710.

ClinVar aggregate classification (germline): Uncertain significance (1 of 4 stars; one submission).

Allele frequency attached by ClinVar (database versions not stated): gnomAD exomes below 0.00001; TOPMed below 0.00001; gnomAD 0.00001.
gnomAD v4.1: 2 of 1,613,856 alleles (0.00012%); highest among the groups gnomAD compares: Non-Finnish European, 0.00017%; no homozygotes.

Submission:

GeneDx
Classification: Uncertain significance. Last evaluated: 2025-03-13. Review status: criteria provided, single submitter. Criteria: GeneDx Variant Classification Process June 2021. Collection method: clinical testing. Allele origin: germline. Affected: yes.
Comment: Not observed at significant frequency in large population cohorts (gnomAD); In silico analysis supports that this missense variant has a deleterious effect on protein structure/function; Has not been previously published as pathogenic or benign to our knowledge